The following is an entry in ClinVar:

ClinVar aggregate classification (germline): Uncertain significance. Review status: criteria provided, multiple submitters, no conflicts (2 of 4 stars). 3 submissions from 3 submitters: Uncertain significance (3). Last evaluated 2025-11-04.

Conditions:
Hereditary nonpolyposis colorectal neoplasms. Identifiers: MedGen C0009405, MeSH D003123.
Hereditary cancer-predisposing syndrome. Also called: Neoplastic Syndromes, Hereditary; Tumor predisposition; Hereditary Cancer Syndrome; Hereditary neoplastic syndrome. Identifiers: Orphanet 140162, MedGen C0027672, MeSH D009386, MONDO:0015356.

Submissions (3):

Labcorp Genetics (formerly Invitae), Labcorp
Classification: Uncertain significance for Hereditary nonpolyposis colorectal neoplasms. Last evaluated: 2025-11-04. Review status: criteria provided, single submitter. Criteria: Invitae Variant Classification Sherloc (09022015). Collection method: clinical testing. Allele origin: germline.
Comment: This sequence change replaces glutamic acid, which is acidic and polar, with glycine, which is neutral and non-polar, at codon 1023 of the MSH6 protein (p.Glu1023Gly). This variant is not present in population databases (gnomAD no frequency). This variant has not been reported in the literature in individuals affected with MSH6-related conditions. ClinVar contains an entry for this variant (Variation ID: 1343442). Invitae Evidence Modeling of protein sequence and biophysical properties (such as structural, functional, and spatial information, amino acid conservation, physicochemical variation, residue mobility, and thermodynamic stability) indicates that this missense variant is not expected to disrupt MSH6 protein function with a negative predictive value of 95%. In summary, the available evidence is currently insufficient to determine the role of this variant in disease. Therefore, it has been classified as a Variant of Uncertain Significance.

Ambry Genetics
Classification: Uncertain significance for Hereditary cancer-predisposing syndrome. Last evaluated: 2022-04-09. Review status: criteria provided, single submitter. Criteria: Ambry Variant Classification Scheme 2023. Collection method: clinical testing. Allele origin: germline.
Comment: The p.E1023G variant (also known as c.3068A>G), located in coding exon 4 of the MSH6 gene, results from an A to G substitution at nucleotide position 3068. The glutamic acid at codon 1023 is replaced by glycine, an amino acid with similar properties. This amino acid position is conserved. In addition, this alteration is predicted to be deleterious by in silico analysis. Since supporting evidence is limited at this time, the clinical significance of this alteration remains unclear.

Women's Health and Genetics/Laboratory Corporation of America, LabCorp
Classification: Uncertain significance. Last evaluated: 2022-02-24. Review status: criteria provided, single submitter. Criteria: LabCorp Variant Classification Summary - May 2015. Collection method: clinical testing. Allele origin: germline.
Comment: Variant summary: MSH6 c.3068A>G (p.Glu1023Gly) results in a non-conservative amino acid change located in the DNA mismatch repair protein MutS, core domain (IPR007696) of the encoded protein sequence. Three of five in-silico tools predict a damaging effect of the variant on protein function. The variant was absent in 242432 control chromosomes (gnomAD). The available data on variant occurrences in the general population are insufficient to allow any conclusion about variant significance. To our knowledge, no occurrence of c.3068A>G in individuals affected with Prostate Cancer and no experimental evidence demonstrating its impact on protein function have been reported. No clinical diagnostic laboratories have submitted clinical-significance assessments for this variant to ClinVar after 2014. Based on the evidence outlined above, the variant was classified as uncertain significance.

NM_000179.3(MSH6):c.3068A>G (p.Glu1023Gly)

Gene: MSH6 (mutS homolog 6; plus strand). Cytogenetic location: 2p16.3.
Variant type: single nucleotide variant.
Coding change: c.3068A>G on transcript NM_000179.3 (MANE Select); coding-DNA position 3068, A replaced by G.
Protein change: p.Glu1023Gly; replaces glutamic acid 1023 with glycine.
Molecular consequence: missense variant.
Genome position (GRCh38, 1-based): chr2:47,801,051, A>G. VCF-style: chr2-47801051-A-G. GRCh37 (hg19) VCF-style: chr2-48028190-A-G.
Other names: c.2678A>G, p.Glu893Gly (NM_001281492.2); c.2162A>G, p.Glu721Gly (NM_001281493.2, NM_001281494.2); short protein forms E1023G, E721G, E893G.
Identifiers: ClinVar variation 1343442 (VCV001343442.11), dbSNP rs1553414454, ClinGen allele CA346756540.